The following is an entry in ClinVar:

NM_015338.6(ASXL1):c.3699G>T (p.Glu1233Asp)

Gene: ASXL1 (ASXL transcriptional regulator 1; plus strand). Cytogenetic location: 20q11.21.
Variant type: single nucleotide variant.
Coding change: c.3699G>T on transcript NM_015338.6 (MANE Select); coding-DNA position 3699, G replaced by T.
Protein change: p.Glu1233Asp; replaces glutamic acid 1233 with aspartic acid.
Molecular consequence: missense variant.
Genome position (GRCh38, 1-based): chr20:32,436,411, G>T. VCF-style: chr20-32436411-G-T. GRCh37 (hg19) VCF-style: chr20-31024214-G-T.
Other names: c.3516G>T, p.Glu1172Asp (NM_001363734.1); short protein forms E1172D, E1233D.
Identifiers: ClinVar variation 4843650 (VCV004843650.1).
Genomic context (GRCh38, chr20:32,436,411, plus strand): 5'-CCATCCAGTGACAAATCCCATTACATCCTCTAGGAAACTGGAAGAAATGGATTCCAAAGA[G>T]CAGTTCTCTTCCTTTAGTTGTGAAGATCAGAAGGAAGTCCGTGCTATGTCACAGGACAGT-3'
Protein context (NP_056153.2, residues 1223-1243): SRKLEEMDSK[Glu1233Asp]QFSSFSCEDQ

ClinVar aggregate classification (germline): Uncertain significance (1 of 4 stars; one submission).

Conditions:
Inborn genetic diseases. Identifiers: MedGen C0950123, MeSH D030342.

gnomAD v4.1: 2 of 1,613,878 alleles (0.00012%); highest among the groups gnomAD compares: Non-Finnish European, 0.00017%; no homozygotes.

Submission:

Ambry Genetics
Classification: Uncertain significance for Inborn genetic diseases. Last evaluated: 2025-12-26. Review status: criteria provided, single submitter. Criteria: Ambry Variant Classification Scheme 2023. Collection method: clinical testing. Allele origin: germline.
Comment: The p.E1233D variant (also known as c.3699G>T), located in coding exon 13 of the ASXL1 gene, results from a G to T substitution at nucleotide position 3699. The glutamic acid at codon 1233 is replaced by aspartic acid, an amino acid with highly similar properties. This amino acid position is conserved. In addition, this alteration is predicted to be tolerated by in silico analysis. Based on the available evidence, the clinical significance of this variant remains unclear.